The following is an entry in ClinVar:

NM_177438.3(DICER1):c.2408G>A (p.Gly803Glu)

Gene: DICER1 (dicer 1, ribonuclease III; minus strand). Cytogenetic location: 14q32.13.
Variant type: single nucleotide variant.
Coding change: c.2408G>A on transcript NM_177438.3 (MANE Select); coding-DNA position 2408, G replaced by A.
Protein change: p.Gly803Glu; replaces glycine 803 with glutamic acid.
Molecular consequence: missense variant.
Genome position (GRCh38, 1-based): chr14:95,108,352, C>T on the plus strand (G>A on the coding strand, the complement: DICER1 is on the minus strand). VCF-style: chr14-95108352-C-T. GRCh37 (hg19) VCF-style: chr14-95574689-C-T.
Other names: c.2408G>A, p.Gly803Glu (NM_001195573.1, NM_001271282.3, NM_001291628.2 and 1 more transcripts); short protein forms G803E.
Identifiers: ClinVar variation 942647 (VCV000942647.11), dbSNP rs1891645266, ClinGen allele CA390882105.

ClinVar aggregate classification (germline): Uncertain significance (1 of 4 stars; one submission).

Conditions:
DICER1-related tumor predisposition. Also called: DICER1-related pleuropulmonary blastoma cancer predisposition syndrome; DICER1 syndrome. Identifiers: Orphanet 284343, MedGen C3839822, MONDO:0100216.

Submission:

Labcorp Genetics (formerly Invitae), Labcorp
Classification: Uncertain significance for DICER1-related tumor predisposition. Last evaluated: 2020-01-10. Review status: criteria provided, single submitter. Criteria: Invitae Variant Classification Sherloc (09022015). Collection method: clinical testing. Allele origin: germline.
Comment: In summary, the available evidence is currently insufficient to determine the role of this variant in disease. Therefore, it has been classified as a Variant of Uncertain Significance. Algorithms developed to predict the effect of missense changes on protein structure and function (SIFT, PolyPhen-2, Align-GVGD) all suggest that this variant is likely to be disruptive, but these predictions have not been confirmed by published functional studies and their clinical significance is uncertain. It has also been observed to segregate with disease in related individuals. This variant is not present in population databases (ExAC no frequency). This sequence change replaces glycine with glutamic acid at codon 803 of the DICER1 protein (p.Gly803Glu). The glycine residue is highly conserved and there is a moderate physicochemical difference between glycine and glutamic acid.